The following is an entry in ClinVar:

ClinVar aggregate classification (germline): Uncertain significance (1 of 4 stars; one submission).

Submission:

Labcorp Genetics (formerly Invitae), Labcorp
Classification: Uncertain significance. Last evaluated: 2023-11-03. Review status: criteria provided, single submitter. Criteria: Invitae Variant Classification Sherloc (09022015). Collection method: clinical testing. Allele origin: germline.
Comment: This sequence change replaces alanine, which is neutral and non-polar, with threonine, which is neutral and polar, at codon 98 of the MRAS protein (p.Ala98Thr). This variant is not present in population databases (gnomAD no frequency). This variant has not been reported in the literature in individuals affected with MRAS-related conditions. An algorithm developed to predict the effect of missense changes on protein structure and function (PolyPhen-2) suggests that this variant is likely to be tolerated. In summary, the available evidence is currently insufficient to determine the role of this variant in disease. Therefore, it has been classified as a Variant of Uncertain Significance.

NM_001085049.3(MRAS):c.292G>A (p.Ala98Thr)

Gene: MRAS (muscle RAS oncogene homolog; plus strand). Cytogenetic location: 3q22.3.
Variant type: single nucleotide variant.
Coding change: c.292G>A on transcript NM_001085049.3 (MANE Select); coding-DNA position 292, G replaced by A.
Protein change: p.Ala98Thr; replaces alanine 98 with threonine.
Molecular consequence: missense variant.
Genome position (GRCh38, 1-based): chr3:138,397,422, G>A. VCF-style: chr3-138397422-G-A. GRCh37 (hg19) VCF-style: chr3-138116264-G-A.
Other names: c.292G>A, p.Ala98Thr (NM_001252090.2, NM_012219.4); c.64G>A, p.Ala22Thr (NM_001252091.1, NM_001252092.2, NM_001252093.2); short protein forms A22T, A98T.
Identifiers: ClinVar variation 2854215 (VCV002854215.3), dbSNP rs2474152970, ClinGen allele CA354672968.